The following is an entry in ClinVar:

NM_005918.4(MDH2):c.199G>T (p.Asp67Tyr)

Gene: MDH2 (malate dehydrogenase 2; plus strand). Cytogenetic location: 7q11.23.
Variant type: single nucleotide variant.
Coding change: c.199G>T on transcript NM_005918.4 (MANE Select); coding-DNA position 199, G replaced by T.
Protein change: p.Asp67Tyr; replaces aspartic acid 67 with tyrosine.
Molecular consequence: missense variant. On other transcripts: intron variant (1).
Genome position (GRCh38, 1-based): chr7:76,054,962, G>T. VCF-style: chr7-76054962-G-T. GRCh37 (hg19) VCF-style: chr7-75684280-G-T.
Other names: c.199G>T, p.Asp67Tyr (NM_001282403.2); c.-86-2448G>T (NM_001282404.2); short protein forms D67Y.
Identifiers: ClinVar variation 1784143 (VCV001784143.2), dbSNP rs1554586013, ClinGen allele CA367762616.

ClinVar aggregate classification (germline): Uncertain significance (1 of 4 stars; one submission).

Conditions:
Inborn genetic diseases. Identifiers: MedGen C0950123, MeSH D030342.

Allele frequency attached by ClinVar (database versions not stated): gnomAD exomes below 0.00001.

Submission:

Ambry Genetics
Classification: Uncertain significance for Inborn genetic diseases. Last evaluated: 2021-10-04. Review status: criteria provided, single submitter. Criteria: Ambry Variant Classification Scheme 2023. Collection method: clinical testing. Allele origin: germline.
Comment: The p.D67Y variant (also known as c.199G>T), located in coding exon 2 of the MDH2 gene, results from a G to T substitution at nucleotide position 199. The aspartic acid at codon 67 is replaced by tyrosine, an amino acid with highly dissimilar properties. This amino acid position is conserved. In addition, this alteration is predicted to be deleterious by in silico analysis. Since supporting evidence is limited at this time, the clinical significance of this alteration remains unclear.